The following is an entry in ClinVar:

NM_001378615.1(CC2D2A):c.357G>C (p.Leu119Phe)

Genes: CC2D2A (coiled-coil and C2 domain containing 2A; plus strand), FBXL5 (F-box and leucine rich repeat protein 5; minus strand). Cytogenetic location: 4p15.32.
Variant type: single nucleotide variant.
Coding change: c.357G>C on transcript NM_001378615.1 (MANE Select); coding-DNA position 357, G replaced by C.
Protein change: p.Leu119Phe; replaces leucine 119 with phenylalanine.
Molecular consequence: missense variant.
Genome position (GRCh38, 1-based): chr4:15,502,842, G>C. VCF-style: chr4-15502842-G-C. GRCh37 (hg19) VCF-style: chr4-15504465-G-C.
Other names: c.357G>C, p.Leu119Phe (NM_001080522.2); c.210G>C, p.Leu70Phe (NM_001378617.1); short protein forms L119F, L70F.
Identifiers: ClinVar variation 1968151 (VCV001968151.3), dbSNP rs767331450, ClinGen allele CA2863391.

ClinVar aggregate classification (germline): Uncertain significance (1 of 4 stars; one submission).

Conditions:
Joubert syndrome. Also called: Familial aplasia of the vermis; JOUBERT-BOLTSHAUSER SYNDROME. Identifiers: Orphanet 475, MedGen C5979921, MONDO:0018772.
Meckel-Gruber syndrome. Also called: Dysencephalia splachnocystica; DYSENCEPHALIA SPLANCHNOCYSTICA; GRUBER SYNDROME. Identifiers: Orphanet 564, MedGen C0265215, MONDO:0018921.

Allele frequency attached by ClinVar (database versions not stated): ExAC 0.00002.
gnomAD v4.1: 24 of 1,610,822 alleles (0.0015%); highest among the groups gnomAD compares: South Asian, 0.027%; no homozygotes.

Submission:

Labcorp Genetics (formerly Invitae), Labcorp
Classification: Uncertain significance for Joubert syndrome; Meckel-Gruber syndrome. Last evaluated: 2025-04-21. Review status: criteria provided, single submitter. Criteria: Invitae Variant Classification Sherloc (09022015). Collection method: clinical testing. Allele origin: germline.
Comment: This sequence change replaces leucine, which is neutral and non-polar, with phenylalanine, which is neutral and non-polar, at codon 119 of the CC2D2A protein (p.Leu119Phe). This variant is present in population databases (rs767331450, gnomAD 0.01%). This variant has not been reported in the literature in individuals affected with CC2D2A-related conditions. ClinVar contains an entry for this variant (Variation ID: 1968151). Invitae Evidence Modeling of protein sequence and biophysical properties (such as structural, functional, and spatial information, amino acid conservation, physicochemical variation, residue mobility, and thermodynamic stability) indicates that this missense variant is not expected to disrupt CC2D2A protein function with a negative predictive value of 95%. In summary, the available evidence is currently insufficient to determine the role of this variant in disease. Therefore, it has been classified as a Variant of Uncertain Significance.